The following is an entry in ClinVar:

ClinVar aggregate classification (germline): Pathogenic (1 of 4 stars; one submission).

Submission:

MVZ Dr. Eberhard & Partner Dortmund
Classification: Pathogenic. Last evaluated: 2019-02-04. Review status: criteria provided, single submitter. Criteria: ACMG Guidelines, 2015. Collection method: clinical testing. Allele origin: unknown. Observed: 1 heterozygote.
Comment: The insertion of 4 basepairs in exon 2 creates a frameshift starting at codon Cys94. The new reading frame ends in a stop codon at position 3 (p.(Cys94Valfs*3)). Therefore the mutation is a null variant in a gene where loss of function is a known mechanism of disease. c.279_280insGTGG is absent from controls like ESP, 1000 genomes or gnomAD and was found in a patient with a phenotype that is highly specific for a disease with a single genetic etiology.

NM_000518.5(HBB):c.279_280insGTGG (p.Cys94fs)

Genes: HBB (hemoglobin subunit beta; minus strand), LOC106099062 (HBB recombination region; plus strand), LOC107133510 (origin of replication at HBB; plus strand). Cytogenetic location: 11p15.4.
Variant type: Insertion.
Coding change: c.279_280insGTGG on transcript NM_000518.5 (MANE Select); coding-DNA positions 279 to 280, GTGG inserted.
Protein change: p.Cys94fs; shifts the reading frame from cysteine 94.
Molecular consequence: frameshift variant.
Genome position: GRCh38 VCF-style: chr11-5226612-A-ACCAC. GRCh37 (hg19) VCF-style: chr11-5247842-A-ACCAC.
Other names: short protein forms C94fs.
Identifiers: ClinVar variation 827662 (VCV000827662.2), dbSNP rs1589892417, ClinGen allele CA915948008.
Genomic context (GRCh38, chr11:5,226,612, plus strand): 5'-AACATCAAGCGTCCCATAGACTCACCCTGAAGTTCTCAGGATCCACGTGCAGCTTGTCAC[A>ACCAC]GTGCAGCTCACTCAGTGTGGCAAAGGTGCCCTTGAGGTTGTCCAGGTGAGCCAGGCCATC-3'